The following is an entry in ClinVar:

ClinVar aggregate classification (germline): Uncertain significance (1 of 4 stars; one submission).

Allele frequency attached by ClinVar (database versions not stated): gnomAD exomes below 0.00001.
gnomAD v4.1: 1 of 1,613,980 alleles (0.000062%); highest among the groups gnomAD compares: East Asian, 0.0022%; no homozygotes.

Submission:

Ambry Genetics
Classification: Uncertain significance. Last evaluated: 2023-03-14. Review status: criteria provided, single submitter. Criteria: Ambry Variant Classification Scheme 2023. Collection method: clinical testing. Allele origin: germline.
Comment: The p.I443M variant (also known as c.1329A>G), located in coding exon 13 of the PRKDC gene, results from an A to G substitution at nucleotide position 1329. The isoleucine at codon 443 is replaced by methionine, an amino acid with highly similar properties. This amino acid position is conserved. In addition, this alteration is predicted to be tolerated by in silico analysis. Since supporting evidence is limited at this time, the clinical significance of this alteration remains unclear.

NM_006904.7(PRKDC):c.1329A>G (p.Ile443Met)

Gene: PRKDC (protein kinase, DNA-activated, catalytic subunit; minus strand). Cytogenetic location: 8q11.21.
Variant type: single nucleotide variant.
Coding change: c.1329A>G on transcript NM_006904.7 (MANE Select); coding-DNA position 1329, A replaced by G.
Protein change: p.Ile443Met; replaces isoleucine 443 with methionine.
Molecular consequence: missense variant.
Genome position (GRCh38, 1-based): chr8:47,935,850, T>C on the plus strand (A>G on the coding strand, the complement: PRKDC is on the minus strand). VCF-style: chr8-47935850-T-C. GRCh37 (hg19) VCF-style: chr8-48848410-T-C.
Other names: c.1329A>G, p.Ile443Met (NM_001081640.2); short protein forms I443M.
Identifiers: ClinVar variation 2449910 (VCV002449910.2), dbSNP rs2090341547, ClinGen allele CA371165912.